The following is an entry in ClinVar:

ClinVar aggregate classification (germline): Uncertain significance (1 of 4 stars; one submission).

Conditions:
Spastic ataxia 2. Also called: Ataxia, spastic, 2, autosomal recessive. Identifiers: Orphanet 397946, MedGen C1969796, MONDO:0012651, OMIM 611302.

gnomAD v4.1: 1 of 1,567,476 alleles (0.000064%); highest among the groups gnomAD compares: Admixed American, 0.0018%; no homozygotes.

Submission:

Labcorp Genetics (formerly Invitae), Labcorp
Classification: Uncertain significance for Spastic ataxia 2. Last evaluated: 2022-08-11. Review status: criteria provided, single submitter. Criteria: Invitae Variant Classification Sherloc (09022015). Collection method: clinical testing. Allele origin: germline.
Comment: In summary, the available evidence is currently insufficient to determine the role of this variant in disease. Therefore, it has been classified as a Variant of Uncertain Significance. Algorithms developed to predict the effect of missense changes on protein structure and function are either unavailable or do not agree on the potential impact of this missense change (SIFT: "Deleterious"; PolyPhen-2: "Benign"; Align-GVGD: "Class C0"). This variant has not been reported in the literature in individuals affected with KIF1C-related conditions. This variant is present in population databases (no rsID available, gnomAD 0.007%). This sequence change replaces arginine, which is basic and polar, with proline, which is neutral and non-polar, at codon 867 of the KIF1C protein (p.Arg867Pro).

NM_006612.6(KIF1C):c.2600G>C (p.Arg867Pro)

Gene: KIF1C (kinesin family member 1C; plus strand). Cytogenetic location: 17p13.2.
Variant type: single nucleotide variant.
Coding change: c.2600G>C on transcript NM_006612.6 (MANE Select); coding-DNA position 2600, G replaced by C.
Protein change: p.Arg867Pro; replaces arginine 867 with proline.
Molecular consequence: missense variant.
Genome position (GRCh38, 1-based): chr17:5,022,681, G>C. VCF-style: chr17-5022681-G-C. GRCh37 (hg19) VCF-style: chr17-4925976-G-C.
Other names: short protein forms R867P.
Identifiers: ClinVar variation 2137164 (VCV002137164.4), dbSNP rs755285892, ClinGen allele CA397315986.